The following is an entry in ClinVar:

NM_001144967.3(NEDD4L):c.1430C>T (p.Pro477Leu)

Gene: NEDD4L (NEDD4 like E3 ubiquitin protein ligase; plus strand). Cytogenetic location: 18q21.31.
Variant type: single nucleotide variant.
Coding change: c.1430C>T on transcript NM_001144967.3 (MANE Select); coding-DNA position 1430, C replaced by T.
Protein change: p.Pro477Leu; replaces proline 477 with leucine.
Molecular consequence: missense variant.
Genome position (GRCh38, 1-based): chr18:58,342,958, C>T. VCF-style: chr18-58342958-C-T. GRCh37 (hg19) VCF-style: chr18-56010190-C-T.
Other names: c.1067C>T, p.Pro356Leu (NM_001144964.1, NM_001144965.2, NM_001144966.3); c.1406C>T, p.Pro469Leu (NM_001144968.2); c.1346C>T, p.Pro449Leu (NM_001144969.2); c.1007C>T, p.Pro336Leu (NM_001144970.3, NM_001144971.2); c.1238C>T, p.Pro413Leu (NM_001243960.2); c.1370C>T, p.Pro457Leu (NM_015277.6); short protein forms P413L, P356L, P336L, P469L, P477L, P449L, P457L.
Identifiers: ClinVar variation 2768935 (VCV002768935.3), dbSNP rs2516868858, ClinGen allele CA402537132.

ClinVar aggregate classification (germline): Uncertain significance (1 of 4 stars; one submission).

Submission:

Labcorp Genetics (formerly Invitae), Labcorp
Classification: Uncertain significance. Last evaluated: 2023-10-16. Review status: criteria provided, single submitter. Criteria: Invitae Variant Classification Sherloc (09022015). Collection method: clinical testing. Allele origin: germline.
Comment: This sequence change replaces proline, which is neutral and non-polar, with leucine, which is neutral and non-polar, at codon 457 of the NEDD4L protein (p.Pro457Leu). This variant is not present in population databases (gnomAD no frequency). This variant has not been reported in the literature in individuals affected with NEDD4L-related conditions. Advanced modeling of protein sequence and biophysical properties (such as structural, functional, and spatial information, amino acid conservation, physicochemical variation, residue mobility, and thermodynamic stability) performed at Invitae indicates that this missense variant is not expected to disrupt NEDD4L protein function. In summary, the available evidence is currently insufficient to determine the role of this variant in disease. Therefore, it has been classified as a Variant of Uncertain Significance.